The following is an entry in ClinVar:

NM_002471.4(MYH6):c.2227G>A (p.Gly743Arg)

Gene: MYH6 (myosin heavy chain 6; minus strand). Cytogenetic location: 14q11.2.
Variant type: single nucleotide variant.
Coding change: c.2227G>A on transcript NM_002471.4 (MANE Select); coding-DNA position 2227, G replaced by A.
Protein change: p.Gly743Arg; replaces glycine 743 with arginine.
Molecular consequence: missense variant.
Genome position (GRCh38, 1-based): chr14:23,396,759, C>T on the plus strand (G>A on the coding strand, the complement: MYH6 is on the minus strand). VCF-style: chr14-23396759-C-T. GRCh37 (hg19) VCF-style: chr14-23865968-C-T.
Other names: short protein forms G743R.
Identifiers: ClinVar variation 5025146 (VCV005025146.1).

ClinVar aggregate classification (germline): Uncertain significance (1 of 4 stars; one submission).

Conditions:
Cardiovascular phenotype. Identifiers: MedGen CN230736.

gnomAD v4.1: 1 of 1,614,012 alleles (0.000062%); highest among the groups gnomAD compares: Non-Finnish European, 0.000085%; no homozygotes.

Submission:

Ambry Genetics
Classification: Uncertain significance for Cardiovascular phenotype. Last evaluated: 2026-08-31. Review status: criteria provided, single submitter. Criteria: Ambry Variant Classification Scheme 2023. Collection method: clinical testing. Allele origin: germline.
Comment: The p.G743R variant (also known as c.2227G>A), located in coding exon 17 of the MYH6 gene, results from a G to A substitution at nucleotide position 2227. The glycine at codon 743 is replaced by arginine, an amino acid with dissimilar properties. This variant was reported in an individual with left ventricular hypertrophy and sinus bradycardia (Zhong S et al. Zhonghua Wei Zhong Bing Ji Jiu Yi Xue, 2021 Nov;33:1327-1331). This amino acid position is well conserved in available vertebrate species. In addition, the in silico prediction for this alteration is inconclusive. Based on the available evidence, the clinical significance of this variant remains unclear.

Literature cited by the submitters: PubMed 34980302.